The following is an entry in ClinVar:

NM_004429.5(EFNB1):c.956A>G (p.Lys319Arg)

Gene: EFNB1 (ephrin B1; plus strand). Cytogenetic location: Xq13.1.
Variant type: single nucleotide variant.
Coding change: c.956A>G on transcript NM_004429.5 (MANE Select); coding-DNA position 956, A replaced by G.
Protein change: p.Lys319Arg; replaces lysine 319 with arginine.
Molecular consequence: missense variant.
Genome position (GRCh38, 1-based): chrX:68,840,569, A>G. VCF-style: chrX-68840569-A-G. GRCh37 (hg19) VCF-style: chrX-68060412-A-G.
Other names: short protein forms K319R.
Identifiers: ClinVar variation 3901983 (VCV003901983.1).

ClinVar aggregate classification (germline): Uncertain significance (1 of 4 stars; one submission).

Conditions:
Craniofrontonasal syndrome (CFNS). Also called: CRANIOFRONTONASAL DYSOSTOSIS. Identifiers: Orphanet 1520, MedGen C0220767, MONDO:0010570, OMIM 304110.

Submission:

Laboratorio de Genetica e Diagnostico Molecular, Hospital Israelita Albert Einstein
Classification: Uncertain significance for Craniofrontonasal syndrome. Last evaluated: 2023-05-24. Review status: criteria provided, single submitter. Criteria: ACMG Guidelines, 2015. Collection method: clinical testing. Allele origin: germline. Affected: yes.
Comment: ACMG classification criteria: PM2 moderate